The following is an entry in ClinVar:

NM_002432.3(MNDA):c.119A>G (p.Gln40Arg)

Gene: MNDA (myeloid cell nuclear differentiation antigen; plus strand). Cytogenetic location: 1q23.1.
Variant type: single nucleotide variant.
Coding change: c.119A>G on transcript NM_002432.3 (MANE Select); coding-DNA position 119, A replaced by G.
Protein change: p.Gln40Arg; replaces glutamine 40 with arginine.
Molecular consequence: missense variant.
Genome position (GRCh38, 1-based): chr1:158,842,272, A>G. VCF-style: chr1-158842272-A-G. GRCh37 (hg19) VCF-style: chr1-158812062-A-G.
Other names: short protein forms Q40R.
Identifiers: ClinVar variation 1746771 (VCV001746771.2), dbSNP rs746839974, ClinGen allele CA1185487.

ClinVar aggregate classification (germline): Uncertain significance (1 of 4 stars; one submission).

Allele frequency attached by ClinVar (database versions not stated): ExAC 0.00001; gnomAD exomes 0.00001.
gnomAD v4.1: 13 of 1,614,188 alleles (0.00081%); highest among the groups gnomAD compares: African/African-American, 0.0013%; no homozygotes.

Submission:

Ambry Genetics
Classification: Uncertain significance. Last evaluated: 2021-08-30. Review status: criteria provided, single submitter. Criteria: Ambry Variant Classification Scheme 2023. Collection method: clinical testing. Allele origin: germline.
Comment: The p.Q40R variant (also known as c.119A>G), located in coding exon 1 of the MNDA gene, results from an A to G substitution at nucleotide position 119. The glutamine at codon 40 is replaced by arginine, an amino acid with highly similar properties. This amino acid position is conserved. In addition, this alteration is predicted to be tolerated by in silico analysis. Since supporting evidence is limited at this time, the clinical significance of this alteration remains unclear.